The following is an entry in ClinVar:

ClinVar aggregate classification (germline): Uncertain significance (1 of 4 stars; one submission).

Conditions:
Cardiomyopathy (CMYO). Also called: Cardiomyopathies. Identifiers: Orphanet 167848, MedGen C0878544, MONDO:0004994, HP:0001638. Inheritance: Various modes of inheritance.

Submission:

Color Diagnostics, LLC DBA Color Health
Classification: Uncertain significance for Cardiomyopathy. Last evaluated: 2023-12-05. Review status: criteria provided, single submitter. Criteria: ACMG Guidelines, 2015. Collection method: clinical testing. Allele origin: germline.
Comment: This missense variant replaces alanine with glycine at codon 695 of the MYBPC3 protein. Computational prediction tools and conservation analyses suggest that this variant may not impact protein structure and function. Splice site prediction tools suggest that this variant may not impact RNA splicing. To our knowledge, functional studies have not been performed for this variant. This variant has not been reported in individuals affected with cardiovascular disorders in the literature. This variant has not been identified in the general population by the Genome Aggregation Database (gnomAD). The available evidence is insufficient to determine the role of this variant in disease conclusively. Therefore, this variant is classified as a Variant of Uncertain Significance.

NM_000256.3(MYBPC3):c.2084C>G (p.Ala695Gly)

Gene: MYBPC3 (myosin binding protein C3; minus strand). Cytogenetic location: 11p11.2.
Variant type: single nucleotide variant.
Coding change: c.2084C>G on transcript NM_000256.3 (MANE Select); coding-DNA position 2084, C replaced by G.
Protein change: p.Ala695Gly; replaces alanine 695 with glycine.
Molecular consequence: missense variant.
Genome position (GRCh38, 1-based): chr11:47,339,388, G>C on the plus strand (C>G on the coding strand, the complement: MYBPC3 is on the minus strand). VCF-style: chr11-47339388-G-C. GRCh37 (hg19) VCF-style: chr11-47360939-G-C.
Other names: short protein forms A695G.
Identifiers: ClinVar variation 922546 (VCV000922546.5), dbSNP rs2095885936, ClinGen allele CA380321111.